The following is an entry in ClinVar:

ClinVar aggregate classification (germline): Likely benign. Review status: criteria provided, multiple submitters, no conflicts (2 of 4 stars). 3 submissions from 3 submitters: Likely benign (3). Last evaluated 2025-05-21.

Allele frequency attached by ClinVar (database versions not stated): ExAC 0.00001; TOPMed 0.00001; gnomAD exomes 0.00002; gnomAD 0.00003.
gnomAD v4.1: 29 of 1,613,952 alleles (0.0018%); highest among the groups gnomAD compares: East Asian, 0.0022%; no homozygotes.

Submissions (3):

Labcorp Genetics (formerly Invitae), Labcorp
Classification: Likely benign. Last evaluated: 2025-05-21. Review status: criteria provided, single submitter. Criteria: Invitae Variant Classification Sherloc (09022015). Collection method: clinical testing. Allele origin: germline.

Blueprint Genetics
Classification: Likely benign. Last evaluated: 2020-08-27. Review status: criteria provided, single submitter. Criteria: ACMG Guidelines, 2015. Collection method: clinical testing. Allele origin: germline.

GeneDx
Classification: Likely benign. Last evaluated: 2018-03-08. Review status: criteria provided, single submitter. Criteria: GeneDx Variant Classification (06012015). Collection method: clinical testing. Allele origin: germline. Affected: yes.
Comment: This variant is considered likely benign or benign based on one or more of the following criteria: it is a conservative change, it occurs at a poorly conserved position in the protein, it is predicted to be benign by multiple in silico algorithms, and/or has population frequency not consistent with disease.

NM_001098.3(ACO2):c.2208+11C>T

Genes: ACO2 (aconitase 2; plus strand), POLR3H (RNA polymerase III subunit H; minus strand). Cytogenetic location: 22q13.2.
Variant type: single nucleotide variant.
Coding change: c.2208+11C>T on transcript NM_001098.3 (MANE Select); 11 bases into the intron after coding-DNA position 2208, C replaced by T.
Molecular consequence: intron variant. On other transcripts: 3 prime UTR variant (5).
Genome position (GRCh38, 1-based): chr22:41,528,033, C>T. VCF-style: chr22-41528033-C-T. GRCh37 (hg19) VCF-style: chr22-41924037-C-T.
Other names: c.*1250G>A (NM_001018050.4, NM_001018052.4, NM_001282884.2 and 2 more transcripts).
Identifiers: ClinVar variation 515765 (VCV000515765.9), dbSNP rs758704771, ClinGen allele CA10257919.